The following is an entry in ClinVar:

NM_015450.3(POT1):c.1792G>C (p.Asp598His)

Gene: POT1 (protection of telomeres 1; minus strand). Cytogenetic location: 7q31.33.
Variant type: single nucleotide variant.
Coding change: c.1792G>C on transcript NM_015450.3 (MANE Select); coding-DNA position 1792, G replaced by C.
Protein change: p.Asp598His; replaces aspartic acid 598 with histidine.
Molecular consequence: missense variant. On other transcripts: non-coding transcript variant (3).
Genome position (GRCh38, 1-based): chr7:124,825,252, C>G on the plus strand (G>C on the coding strand, the complement: POT1 is on the minus strand). VCF-style: chr7-124825252-C-G. GRCh37 (hg19) VCF-style: chr7-124465306-C-G.
Other names: c.1792G>C (NM_015450.2); c.1399G>C, p.Asp467His (NM_001042594.2); short protein forms D467H, D598H.
Identifiers: ClinVar variation 3686341 (VCV003686341.3).
Genomic context (GRCh38, chr7:124,825,252, plus strand): 5'-TATATGTTAGTGCTATCTCAAGTAAAAGAAGTGTGGGATTGTTAAAATATTCTTGCCTAC[C>G]AATTTTTATTCCTGGAGGACAAAACATATCCATGATCATATCCACACTTTTCTGAAGGTC-3'
Protein context (NP_056265.2, residues 588-608): DMFCPPGIKI[Asp598His]AYPWLECFIK

ClinVar aggregate classification (germline): Uncertain significance. Review status: criteria provided, multiple submitters, no conflicts (2 of 4 stars). 2 submissions from 2 submitters: Uncertain significance (2). Last evaluated 2026-08-31.

Conditions:
Hereditary cancer-predisposing syndrome. Also called: Tumor predisposition; Hereditary neoplastic syndrome; Hereditary Cancer Syndrome; Neoplastic Syndromes, Hereditary. Identifiers: Orphanet 140162, MedGen C0027672, MeSH D009386, MONDO:0015356.
Tumor predisposition syndrome 3 (TPDS3). Also called: Glioma susceptibility 9; LONG TELOMERE SYNDROME, POT1-RELATED; POT1 Tumor Predisposition; Melanoma, cutaneous malignant, susceptibility to, 10. Identifiers: Orphanet 618, MedGen C4014476, MONDO:0014368, OMIM 615848.

Submissions (2):

Ambry Genetics
Classification: Uncertain significance for Hereditary cancer-predisposing syndrome. Last evaluated: 2026-08-31. Review status: criteria provided, single submitter. Criteria: Ambry Variant Classification Scheme 2023. Collection method: clinical testing. Allele origin: germline.
Comment: The c.1792G>C variant (also known as p.D598H), located in coding exon 14 of the POT1 gene, results from a G to C substitution at nucleotide position 1792. The amino acid change results in aspartic acid to histidine at codon 598, an amino acid with similar properties. This nucleotide position is highly conserved in available vertebrate species. This amino acid position is well conserved in available vertebrate species. In silico splice site analysis predicts that this alteration will result in the creation or strengthening of a novel splice donor site; however, direct evidence is insufficient at this time (Ambry internal data). In addition, this alteration is predicted to be tolerated by in silico analysis. Based on the available evidence, the clinical significance of this variant remains unclear.

Labcorp Genetics (formerly Invitae), Labcorp
Classification: Uncertain significance for Tumor predisposition syndrome 3. Last evaluated: 2025-01-14. Review status: criteria provided, single submitter. Criteria: Invitae Variant Classification Sherloc (09022015). Collection method: clinical testing. Allele origin: germline.
Comment: This sequence change replaces aspartic acid, which is acidic and polar, with histidine, which is basic and polar, at codon 598 of the POT1 protein (p.Asp598His). This variant also falls at the last nucleotide of exon 18, which is part of the consensus splice site for this exon. This variant is not present in population databases (gnomAD no frequency). This variant has not been reported in the literature in individuals affected with POT1-related conditions. An algorithm developed to predict the effect of missense changes on protein structure and function (PolyPhen-2) suggests that this variant is likely to be disruptive. Variants that disrupt the consensus splice site are a relatively common cause of aberrant splicing (PMID: 17576681, 9536098). Algorithms developed to predict the effect of sequence changes on RNA splicing suggest that this variant may disrupt the consensus splice site. In summary, the available evidence is currently insufficient to determine the role of this variant in disease. Therefore, it has been classified as a Variant of Uncertain Significance.

Literature cited by the submitters: PubMed 17576681 (cited by Labcorp Genetics (formerly Invitae), Labcorp); PubMed 9536098 (cited by Labcorp Genetics (formerly Invitae), Labcorp).